The following is an entry in ClinVar:

ClinVar aggregate classification (germline): Uncertain significance (1 of 4 stars; one submission).

Submission:

CeGaT Center for Human Genetics Tuebingen
Classification: Uncertain significance. Last evaluated: 2026-02-01. Review status: criteria provided, single submitter. Criteria: CeGaT Center For Human Genetics Tuebingen Variant Classification Criteria Version 2. Collection method: clinical testing. Allele origin: germline. Affected: yes. Observed: 1 variant allele.
Comment: GNAS: PM2, BP4

NM_080425.4(GNAS):c.815C>T (p.Ala272Val)

Gene: GNAS (GNAS complex locus; plus strand). Cytogenetic location: 20q13.32.
Variant type: single nucleotide variant.
Coding change: c.815C>T on transcript NM_080425.4 (MANE Plus Clinical); coding-DNA position 815, C replaced by T.
Protein change: p.Ala272Val; replaces alanine 272 with valine.
Molecular consequence: missense variant. On other transcripts: intron variant (3).
Genome position (GRCh38, 1-based): chr20:58,854,080, C>T. VCF-style: chr20-58854080-C-T. GRCh37 (hg19) VCF-style: chr20-57429135-C-T.
Other names: c.628C>T, p.Arg210Cys (NM_001077490.3, NM_001309883.1); c.815C>T, p.Ala272Val (NM_001410913.1); c.*42+13194C>T (NM_016592.5); c.43+13194C>T (NM_001410912.1); c.-39+12205C>T (NM_001309861.2); short protein forms A272V, R210C.
Identifiers: ClinVar variation 4822208 (VCV004822208.4).